The following is an entry in ClinVar:

ClinVar aggregate classification (germline): Uncertain significance (1 of 4 stars; one submission).

Submission:

Labcorp Genetics (formerly Invitae), Labcorp
Classification: Uncertain significance. Last evaluated: 2022-03-04. Review status: criteria provided, single submitter. Criteria: Invitae Variant Classification Sherloc (09022015). Collection method: clinical testing. Allele origin: germline.
Comment: In summary, the available evidence is currently insufficient to determine the role of this variant in disease. Therefore, it has been classified as a Variant of Uncertain Significance. Algorithms developed to predict the effect of sequence changes on RNA splicing suggest that this variant may disrupt the consensus splice site. Algorithms developed to predict the effect of missense changes on protein structure and function are either unavailable or do not agree on the potential impact of this missense change (SIFT: "Not Available"; PolyPhen-2: "Benign"; Align-GVGD: "Not Available"). This variant has not been reported in the literature in individuals affected with ADD3-related conditions. This variant is not present in population databases (gnomAD no frequency). This sequence change replaces aspartic acid, which is acidic and polar, with glycine, which is neutral and non-polar, at codon 126 of the ADD3 protein (p.Asp126Gly).

NM_016824.5(ADD3):c.377A>G (p.Asp126Gly)

Gene: ADD3 (adducin 3; plus strand). Cytogenetic location: 10q25.2.
Variant type: single nucleotide variant.
Coding change: c.377A>G on transcript NM_016824.5 (MANE Select); coding-DNA position 377, A replaced by G.
Protein change: p.Asp126Gly; replaces aspartic acid 126 with glycine.
Molecular consequence: missense variant.
Genome position (GRCh38, 1-based): chr10:110,116,301, A>G. VCF-style: chr10-110116301-A-G. GRCh37 (hg19) VCF-style: chr10-111876059-A-G.
Other names: c.377A>G, p.Asp126Gly (NM_001121.4, NM_001320591.2, NM_001320592.2 and 2 more transcripts); c.143A>G, p.Asp48Gly (NM_001320594.2); short protein forms D126G, D48G.
Identifiers: ClinVar variation 1931503 (VCV001931503.5), dbSNP rs2495900492, ClinGen allele CA378366465.